The following is an entry in ClinVar:

NM_001830.4(CLCN4):c.1849A>G (p.Met617Val)

Gene: CLCN4 (Cl-/H+ antiporter 4; plus strand). Cytogenetic location: Xp22.2.
Variant type: single nucleotide variant.
Coding change: c.1849A>G on transcript NM_001830.4 (MANE Select); coding-DNA position 1849, A replaced by G.
Protein change: p.Met617Val; replaces methionine 617 with valine.
Molecular consequence: missense variant.
Genome position (GRCh38, 1-based): chrX:10,213,953, A>G. VCF-style: chrX-10213953-A-G. GRCh37 (hg19) VCF-style: chrX-10181993-A-G.
Other names: c.1567A>G, p.Met523Val (NM_001256944.2); short protein forms M523V, M617V.
Identifiers: ClinVar variation 1339128 (VCV001339128.2), dbSNP rs2147183851, ClinGen allele CA412042791.
Genomic context (GRCh38, chrX:10,213,953, plus strand): 5'-ACCGACGTCATGCGGCCCCGGCGGGGAGAGCCGCCACTGTCGGTGCTCACCCAGGACAGC[A>G]TGACTGTCGAGGACGTGGAGACGCTCATCAAGGAGACCGACTACAACGGCTTCCCCGTGG-3'
Protein context (NP_001821.2, residues 607-627): PPLSVLTQDS[Met617Val]TVEDVETLIK

ClinVar aggregate classification (germline): Uncertain significance (1 of 4 stars; one submission).

Conditions:
Intellectual disability, X-linked 49 (MRXSRC). Also called: MENTAL RETARDATION, X-LINKED 15; CLCN4-Related Neurodevelopmental Disorder; MRX49; CLCN4-related X-linked intellectual disability syndrome; RAYNAUD-CLAES SYNDROME. Identifiers: Orphanet 485350, Orphanet 777, MedGen C0796221, MONDO:0010250, OMIM 300114.

Submission:

Neuberg Centre For Genomic Medicine, NCGM
Classification: Uncertain significance for Intellectual disability, X-linked 49. Review status: criteria provided, single submitter. Criteria: ACMG Guidelines, 2015. Collection method: clinical testing. Allele origin: germline. Affected: yes.
Comment: The missense variant p.M617V in CLCN4 (NM_001830.4) has not been reported previously as a pathogenic variant nor as a benign variant, to our knowledge. The p.M617V variant is novel (not in any individuals) in gnomAD Exomes and is novel (not in any individuals) in 1000 Genomes. In silico tools are contradictory (SIFT-damaging, Polyphen-2- Tolerated) and the residue is conserved across species. For these reasons, this variant has been classified as Uncertain Significance.